The following is an entry in ClinVar:

NM_022773.4(LMF1):c.1685C>G (p.Pro562Arg)

Gene: LMF1 (lipase maturation factor 1; minus strand). Cytogenetic location: 16p13.3.
Variant type: single nucleotide variant.
Coding change: c.1685C>G on transcript NM_022773.4 (MANE Select); coding-DNA position 1685, C replaced by G.
Protein change: p.Pro562Arg; replaces proline 562 with arginine.
Molecular consequence: missense variant. On other transcripts: synonymous variant (1), non-coding transcript variant (1).
Genome position (GRCh38, 1-based): chr16:854,551, G>C on the plus strand (C>G on the coding strand, the complement: LMF1 is on the minus strand). VCF-style: chr16-854551-G-C. GRCh37 (hg19) VCF-style: chr16-904551-G-C.
Other names: p.Pro562Arg; c.1034C>G, p.Pro345Arg (NM_001352017.2, NM_001352021.2); c.1286C>G, p.Pro429Arg (NM_001352018.2); c.1358C>G, p.Pro453Arg (NM_001352019.2); c.1605C>G, p.Ala535= (NM_001352020.1); short protein forms P345R, P429R, P453R, P562R.
Identifiers: ClinVar variation 1277320 (VCV001277320.15), dbSNP rs4984948, ClinGen allele CA7796840.

ClinVar aggregate classification (germline): Benign. Review status: criteria provided, multiple submitters, no conflicts (2 of 4 stars). 7 submissions from 7 submitters: Benign (7). Last evaluated 2026-02-02.

Conditions:
Cardiovascular phenotype. Identifiers: MedGen CN230736.

Allele frequency attached by ClinVar (database versions not stated): ESP Exome Variant Server 0.00815; gnomAD 0.02328 and 0.02624; TOPMed 0.03318; gnomAD exomes 0.04675; ExAC 0.05108; 1000 Genomes Project 0.05272; 1000 Genomes Project 30x 0.05434.
gnomAD v4.1: 32,103 of 1,608,040 alleles (2%); highest among the groups gnomAD compares: Admixed American, 16%; 1,477 homozygotes.

Submissions (7):

Labcorp Genetics (formerly Invitae), Labcorp
Classification: Benign. Last evaluated: 2026-02-02. Review status: criteria provided, single submitter. Criteria: Invitae Variant Classification Sherloc (09022015). Collection method: clinical testing. Allele origin: germline.

Molecular Diagnostic Laboratory for Inherited Cardiovascular Disease, Montreal Heart Institute
Classification: Benign. Last evaluated: 2025-04-09. Review status: criteria provided, single submitter. Criteria: ACMG Guidelines, 2015. Collection method: clinical testing. Allele origin: germline. Affected: no.

Blueprint Genetics
Classification: Benign. Last evaluated: 2024-11-27. Review status: criteria provided, single submitter. Criteria: ACMG Guidelines, 2015. Collection method: clinical testing. Allele origin: germline.

Mayo Clinic Laboratories, Mayo Clinic
Classification: Benign. Last evaluated: 2023-08-15. Review status: criteria provided, single submitter. Criteria: ACMG Guidelines, 2015. Collection method: clinical testing. Allele origin: germline. Observed: 8 variant alleles.
Comment: BA1

Ambry Genetics
Classification: Benign for Cardiovascular phenotype. Last evaluated: 2019-03-22. Review status: criteria provided, single submitter. Criteria: Ambry Variant Classification Scheme 2023. Collection method: clinical testing. Allele origin: germline.

GeneDx
Classification: Benign. Last evaluated: 2018-10-17. Review status: criteria provided, single submitter. Criteria: GeneDx Variant Classification Process June 2021. Collection method: clinical testing. Allele origin: germline. Affected: yes.
Comment: This variant is associated with the following publications: (PMID: 27108409, 22239554, 25817768, 30420299)

Breakthrough Genomics
Classification: Benign. Review status: criteria provided, single submitter. Criteria: ACMG Guidelines, 2015. Collection method: not provided. Allele origin: germline. Inheritance: Autosomal recessive inheritance. Affected: yes.